The following is an entry in ClinVar:

NM_000169.3(GLA):c.1093T>C (p.Tyr365His)

Genes: GLA (galactosidase alpha; minus strand), RPL36A-HNRNPH2 (RPL36A-HNRNPH2 readthrough; plus strand). Cytogenetic location: Xq22.1.
Variant type: single nucleotide variant.
Coding change: c.1093T>C on transcript NM_000169.3 (MANE Select); coding-DNA position 1093, T replaced by C.
Protein change: p.Tyr365His; replaces tyrosine 365 with histidine.
Molecular consequence: missense variant. On other transcripts: non-coding transcript variant (3), intron variant (2).
Genome position (GRCh38, 1-based): chrX:101,398,006, A>G on the plus strand (T>C on the coding strand, the complement: GLA is on the minus strand). VCF-style: chrX-101398006-A-G. GRCh37 (hg19) VCF-style: chrX-100652994-A-G.
Other names: c.1216T>C, p.Tyr406His (NM_001406747.1); c.300+2549A>G (NM_001199973.2); c.177+6184A>G (NM_001199974.2); short protein forms Y406H, Y365H.
Identifiers: ClinVar variation 4742421 (VCV004742421.1).

ClinVar aggregate classification (germline): Uncertain significance (1 of 4 stars; one submission).

Conditions:
Fabry disease. Also called: Fabry's disease; ALPHA-GALACTOSIDASE A DEFICIENCY; ANDERSON-FABRY DISEASE; CERAMIDE TRIHEXOSIDASE DEFICIENCY; GLA DEFICIENCY; HEREDITARY DYSTOPIC LIPIDOSIS. Identifiers: Orphanet 324, MedGen C0002986, MONDO:0010526, OMIM 301500, HP:0001071. Disease mechanism: Fabry disease is due to inactivating mutations in the X-linked GLA gene resulting in deficiency of the enzyme Alpha Galactosidase-A., loss of function.

Submission:

Labcorp Genetics (formerly Invitae), Labcorp
Classification: Uncertain significance for Fabry disease. Last evaluated: 2025-11-30. Review status: criteria provided, single submitter. Criteria: Invitae Variant Classification Sherloc (09022015). Collection method: clinical testing. Allele origin: germline.
Comment: This sequence change replaces tyrosine, which is neutral and polar, with histidine, which is basic and polar, at codon 365 of the GLA protein (p.Tyr365His). This variant is not present in population databases (gnomAD no frequency). This variant has not been reported in the literature in individuals affected with GLA-related conditions. Invitae Evidence Modeling of protein sequence and biophysical properties (such as structural, functional, and spatial information, amino acid conservation, physicochemical variation, residue mobility, and thermodynamic stability) indicates that this missense variant is not expected to disrupt GLA protein function with a negative predictive value of 80%. In summary, the available evidence is currently insufficient to determine the role of this variant in disease. Therefore, it has been classified as a Variant of Uncertain Significance.